The following is an entry in ClinVar:

NM_000169.3(GLA):c.1156_1157del (p.Gln386fs)

Genes: GLA (galactosidase alpha; minus strand), RPL36A-HNRNPH2 (RPL36A-HNRNPH2 readthrough; plus strand). Cytogenetic location: Xq22.1.
Variant type: Microsatellite.
Coding change: c.1156_1157del on transcript NM_000169.3 (MANE Select); coding-DNA positions 1156 to 1157, 2 bases deleted (CA; older notation c.1156_1157delCA).
Protein change: p.Gln386fs; shifts the reading frame from glutamine 386.
Molecular consequence: frameshift variant. On other transcripts: non-coding transcript variant (3), intron variant (2).
Genome position (GRCh38, 1-based): chrX:101,397,942-101,397,943, TG deleted on the plus strand (CA on the coding strand, the reverse complement: GLA is on the minus strand); deleting any 2 consecutive bases within chrX:101,397,942-101,397,947 gives the same sequence; the c. name uses the placement nearest the transcript's 3' end. VCF-style (leftmost placement, unchanged base first): chrX-101397941-CTG-C. GRCh37 (hg19) VCF-style: chrX-100652929-CTG-C.
Other names: c.1279_1280del, p.Gln427fs (NM_001406747.1); c.300+2485TG[2] (NM_001199973.2); c.177+6120TG[2] (NM_001199974.2); short protein forms Q386fs, Q427fs.
Identifiers: ClinVar variation 4087068 (VCV004087068.2).

ClinVar aggregate classification (germline): Pathogenic (1 of 4 stars; one submission).

Conditions:
Fabry disease. Also called: ALPHA-GALACTOSIDASE A DEFICIENCY; ANDERSON-FABRY DISEASE; CERAMIDE TRIHEXOSIDASE DEFICIENCY; GLA DEFICIENCY; HEREDITARY DYSTOPIC LIPIDOSIS; Angiokeratoma corporis diffusum. Identifiers: Orphanet 324, MedGen C0002986, MONDO:0010526, OMIM 301500, HP:0001071. Disease mechanism: Fabry disease is due to inactivating mutations in the X-linked GLA gene resulting in deficiency of the enzyme Alpha Galactosidase-A., loss of function.

Submission:

Genomenon, Inc
Classification: Pathogenic for Fabry disease. Last evaluated: 2026-09-08. Review status: criteria provided, single submitter. Criteria: Genomenon Sequence Variant Interpretation Standards - Updated. Collection method: curation. Allele origin: germline. Affected: yes.
Comment: GLA p.Gln386AlafsTer12 (c.1156_1157del) is a frameshift variant that is predicted to introduce a premature termination codon and result in a truncated or absent protein product. This variant has been observed in at least one proband with clinical features consistent with Fabry disease (PMID:11668641;29853467). It is absent or not present at a significant frequency in gnomAD. In conclusion, we classify GLA p.Gln386AlafsTer12 (c.1156_1157del) as a pathogenic variant.

Literature cited by the submitters: PubMed 11668641; PubMed 29853467.